The following is an entry in ClinVar:

NM_024642.5(GALNT12):c.1177G>A (p.Glu393Lys)

Gene: GALNT12 (polypeptide N-acetylgalactosaminyltransferase 12; plus strand). Cytogenetic location: 9q22.33.
Variant type: single nucleotide variant.
Coding change: c.1177G>A on transcript NM_024642.5 (MANE Select); coding-DNA position 1177, G replaced by A.
Protein change: p.Glu393Lys; replaces glutamic acid 393 with lysine.
Molecular consequence: missense variant.
Genome position (GRCh38, 1-based): chr9:98,837,113, G>A. VCF-style: chr9-98837113-G-A. GRCh37 (hg19) VCF-style: chr9-101599395-G-A.
Other names: short protein forms E393K.
Identifiers: ClinVar variation 2598866 (VCV002598866.2), dbSNP rs754642218, ClinGen allele CA374219974.
Genomic context (GRCh38, chr9:98,837,113, plus strand): 5'-CGCAACAAGGCTCTGGCCAACAGTGTTCGTGCAGCTGAAGTATGGATGGATGAATTTAAA[G>A]AGCTCTACTACCATCGCAACCCCCGTGCCCGCTTGGTGAGTTCCTCGGCCCACCTGCACT-3'
Protein context (NP_078918.3, residues 383-403): AAEVWMDEFK[Glu393Lys]LYYHRNPRAR

ClinVar aggregate classification (germline): Uncertain significance (1 of 4 stars; one submission).

Submission:

Ambry Genetics
Classification: Uncertain significance. Last evaluated: 2023-07-28. Review status: criteria provided, single submitter. Criteria: Ambry Variant Classification Scheme 2023. Collection method: clinical testing. Allele origin: germline.
Comment: The p.E393K variant (also known as c.1177G>A), located in coding exon 6 of the GALNT12 gene, results from a G to A substitution at nucleotide position 1177. The glutamic acid at codon 393 is replaced by lysine, an amino acid with similar properties. This amino acid position is conserved. In addition, the in silico prediction for this alteration is inconclusive. Since supporting evidence is limited at this time, the clinical significance of this alteration remains unclear.